The following is an entry in ClinVar:

NM_002457.5(MUC2):c.861C>T (p.Thr287=)

Gene: MUC2 (mucin 2, oligomeric mucus/gel-forming; plus strand). Cytogenetic location: 11p15.5.
Variant type: single nucleotide variant.
Coding change: c.861C>T on transcript NM_002457.5 (MANE Select); coding-DNA position 861, C replaced by T.
Protein change: p.Thr287=; no amino-acid change (threonine 287 retained).
Molecular consequence: synonymous variant.
Genome position (GRCh38, 1-based): chr11:1,078,509, C>T. VCF-style: chr11-1078509-C-T. GRCh37 (hg19) VCF-style: chr11-1078653-C-T.
Identifiers: ClinVar variation 2641119 (VCV002641119.24), dbSNP rs375279233, ClinGen allele CA5798282.

ClinVar aggregate classification (germline): Likely benign (1 of 4 stars; one submission).

Allele frequency attached by ClinVar (database versions not stated): ESP Exome Variant Server 0.00021; gnomAD 0.00040; ExAC 0.00044; TOPMed 0.00046; 1000 Genomes Project 0.00080; 1000 Genomes Project 30x 0.00094.

Submission:

CeGaT Center for Human Genetics Tuebingen
Classification: Likely benign. Last evaluated: 2023-07-01. Review status: criteria provided, single submitter. Criteria: CeGaT Center For Human Genetics Tuebingen Variant Classification Criteria Version 2. Collection method: clinical testing. Allele origin: germline. Affected: yes. Observed: 1 variant allele.
Comment: MUC2: BP4, BP7